The following is an entry in ClinVar:

NM_000018.4(ACADVL):c.307_323dup (p.Val109fs)

Gene: ACADVL (acyl-CoA dehydrogenase very long chain; plus strand). Cytogenetic location: 17p13.1.
Variant type: Duplication.
Coding change: c.307_323dup on transcript NM_000018.4 (MANE Select); coding-DNA positions 307 to 323, 17 bases duplicated (AAAGAGCTGGTGGAGCC).
Protein change: p.Val109fs; shifts the reading frame from valine 109.
Molecular consequence: frameshift variant.
Genome position (GRCh38, 1-based): chr17:7,220,795-7,220,811, AAAGAGCTGGTGGAGCC duplicated. VCF-style (leftmost placement, unchanged base first): chr17-7220794-T-TAAAGAGCTGGTGGAGCC. GRCh37 (hg19) VCF-style: chr17-7124113-T-TAAAGAGCTGGTGGAGCC.
Other names: NM_000018.4(ACADVL):c.307_323dup; p.Val109fs; c.241_257dup, p.Val87fs (NM_001033859.3); c.376_392dup, p.Val132fs (NM_001270447.2); c.79_95dup, p.Val33fs (NM_001270448.2); c.307_323dup17 (NM_000018.3); short protein forms V109fs, V132fs, V33fs, V87fs.
Identifiers: ClinVar variation 648624 (VCV000648624.19), dbSNP rs1597520263, ClinGen allele CA913013630.

ClinVar aggregate classification (germline): Likely pathogenic. Review status: reviewed by expert panel (3 of 4 stars). 7 submissions from 7 submitters: Likely pathogenic (1). 6 of the submissions do not count toward it. Last evaluated 2022-04-26.

Conditions:
Very long chain acyl-CoA dehydrogenase deficiency (ACADVLD). Also called: VLCAD Deficiency; Very Long-Chain Acyl-Coenzyme A Dehydrogenase Deficiency. Identifiers: Orphanet 26793, MedGen C3887523, MONDO:0008723, OMIM 201475.
ACADVL-related disorder. Also called: ACADVL-related condition.

Allele frequency attached by ClinVar (database versions not stated): gnomAD exomes below 0.00001.

Submissions (7):

ClinGen ACADVL Variant Curation Expert Panel, ClinGen
Classification: Likely pathogenic for Very long chain acyl-CoA dehydrogenase deficiency. Last evaluated: 2022-04-26. Review status: reviewed by expert panel. Criteria: clingen acadvl acmg specifications v1. Collection method: curation. Allele origin: germline. Inheritance: Autosomal recessive inheritance.
Comment: The c.307_323dup, p.(Val109Lysfs*14) variant in ACADVL is a frameshift variant predicted to cause a premature stop codon in biologically-relevant-exon 6/20 leading to nonsense mediated decay in a gene in which loss-of-function is an established disease mechanism (PVS1; PMIDs 9973285, 11590124). This variant has been detected in one individual identified by abnormal newborn screening or presumed positive on newborn screening for very long chain acyl CoA dehydrogenase (VLCAD) deficiency with no reported follow-up plasma acylcarnitine or enzyme activity; a second distinct pathogenic or likely pathogenic variant in ACADVL was not reported in this individual (PMID: 26385305). This variant is absent from gnomAD v2.1.1 (PM2_Supporting). To our knowledge, functional assays have not been reported for this variant. In summary, this variant meets the criteria to be classified as LIKELY PATHOGENIC for autosomal recessive very long chain acyl-CoA dehydrogenase (VLCAD) deficiency based on the ACMG/AMP criteria applied, as specified by the ClinGen ACADVL Variant Curation Expert Panel: PVS1, PM2_Supporting (ClinGen ACADVL VCEP specifications version#2.0; approved 04-25-2022).

Myriad Genetics, Inc.
Classification: Pathogenic for Very long chain acyl-CoA dehydrogenase deficiency. Last evaluated: 2025-09-22. Review status: criteria provided, single submitter. Criteria: Myriad Autosomal Dominant, Autosomal Recessive and X-Linked Classification Criteria (2023). Collection method: clinical testing. Allele origin: unknown. Not counted in ClinVar's aggregate classification.
Comment: NM_000018.3(ACADVL):c.307_323dup17(V109Kfs*14) is expected to be pathogenic in the context of very-long-chain acyl-CoA dehydrogenase deficiency. This variant is predicted to lead to an abnormal or absent protein product due to the creation of a premature termination codon in ACADVL, a gene where loss-of-function variants are known to be pathogenic. Please note: this variant was assessed in the context of healthy population screening.

Labcorp Genetics (formerly Invitae), Labcorp
Classification: Pathogenic for Very long chain acyl-CoA dehydrogenase deficiency. Last evaluated: 2024-03-27. Review status: criteria provided, single submitter. Criteria: Invitae Variant Classification Sherloc (09022015). Collection method: clinical testing. Allele origin: germline. Not counted in ClinVar's aggregate classification.
Comment: This sequence change creates a premature translational stop signal (p.Val109Lysfs*14) in the ACADVL gene. It is expected to result in an absent or disrupted protein product. Loss-of-function variants in ACADVL are known to be pathogenic (PMID: 9973285, 11590124). This variant is not present in population databases (gnomAD no frequency). This premature translational stop signal has been observed in individual(s) with a positive newborn screening result for ACADVL-related disease (PMID: 26385305). ClinVar contains an entry for this variant (Variation ID: 648624). For these reasons, this variant has been classified as Pathogenic.

Fulgent Genetics
Classification: Likely pathogenic for Very long chain acyl-CoA dehydrogenase deficiency. Last evaluated: 2024-02-26. Review status: criteria provided, single submitter. Criteria: ACMG Guidelines, 2015. Collection method: clinical testing. Allele origin: germline. Not counted in ClinVar's aggregate classification.

Baylor Genetics
Classification: Likely pathogenic for Very long chain acyl-CoA dehydrogenase deficiency. Last evaluated: 2024-01-25. Review status: criteria provided, single submitter. Criteria: ACMG Guidelines, 2015. Collection method: clinical testing. Allele origin: unknown. Not counted in ClinVar's aggregate classification.

PreventionGenetics, part of Exact Sciences
Classification: Pathogenic for ACADVL-related condition. Last evaluated: 2022-08-26. Review status: criteria provided, single submitter. Criteria: ACMG Guidelines, 2015. Collection method: clinical testing. Allele origin: germline. Not counted in ClinVar's aggregate classification.
Comment: The ACADVL c.307_323dup17 variant is predicted to result in a frameshift and premature protein termination (p.Val109Lysfs*14). This variant was reported in an individual who had a positive newborn screen for Very long chain acyl-CoA dehydrogenase deficiency (Miller et al 2015. PubMed ID: 26385305). This variant has not been reported in a large population database, indicating this variant is rare. Frameshift variants in ACADVL are expected to be pathogenic. This variant is interpreted as pathogenic.

Wong Mito Lab, Molecular and Human Genetics, Baylor College of Medicine
Classification: Pathogenic for Very long chain acyl-CoA dehydrogenase deficiency. Last evaluated: 2019-11-01. Review status: criteria provided, single submitter. Criteria: ACMG Guidelines, 2015. Collection method: clinical testing. Allele origin: germline. Not counted in ClinVar's aggregate classification.
Comment: The NM_000018.3:c.307_323dup17 (NP_000009.1:p.Val109LysfsTer14) [GRCH38: NC_000017.11:g.7220795_7220811dup] variant in ACADVL gene is interpretated to be Pathogenic based on ACMG guidelines (PMID: 25741868). This variant has been reported. This variant meets the following evidence codes reported in the ACMG guidelines: PVS1, PS3

Literature cited by the submitters: PubMed 9973285 (cited by Labcorp Genetics (formerly Invitae), Labcorp); PubMed 11590124 (cited by Labcorp Genetics (formerly Invitae), Labcorp); PubMed 26385305 (cited by Labcorp Genetics (formerly Invitae), Labcorp).